The following is an entry in ClinVar:

NM_000245.4(MET):c.692A>G (p.Asp231Gly)

Gene: MET (MET proto-oncogene, receptor tyrosine kinase; plus strand). Cytogenetic location: 7q31.2.
Variant type: single nucleotide variant.
Coding change: c.692A>G on transcript NM_000245.4 (MANE Select); coding-DNA position 692, A replaced by G.
Protein change: p.Asp231Gly; replaces aspartic acid 231 with glycine.
Molecular consequence: missense variant. On other transcripts: intron variant (1).
Genome position (GRCh38, 1-based): chr7:116,699,776, A>G. VCF-style: chr7-116699776-A-G. GRCh37 (hg19) VCF-style: chr7-116339830-A-G.
Other names: c.692A>G, p.Asp231Gly (NM_001127500.3, NM_001324401.3); c.-91+27199A>G (NM_001324402.2); short protein forms D231G.
Identifiers: ClinVar variation 3725956 (VCV003725956.3).
Genomic context (GRCh38, chr7:116,699,776, plus strand): 5'-TGCATTCGATATCAGTGAGAAGGCTAAAGGAAACGAAAGATGGTTTTATGTTTTTGACGG[A>G]CCAGTCCTACATTGATGTTTTACCTGAGTTCAGAGATTCTTACCCCATTAAGTATGTCCA-3'
Protein context (NP_000236.2, residues 221-241): ETKDGFMFLT[Asp231Gly]QSYIDVLPEF

ClinVar aggregate classification (germline): Uncertain significance. Review status: criteria provided, multiple submitters, no conflicts (2 of 4 stars). 2 submissions from 2 submitters: Uncertain significance (2). Last evaluated 2026-09-09.

Conditions:
Hereditary cancer-predisposing syndrome. Also called: Tumor predisposition; Hereditary neoplastic syndrome; Hereditary Cancer Syndrome; Neoplastic Syndromes, Hereditary. Identifiers: Orphanet 140162, MedGen C0027672, MeSH D009386, MONDO:0015356.
Renal cell carcinoma. Identifiers: Orphanet 217071, MedGen C0007134, MeSH D002292, MONDO:0005086, HP:0005584.

Submissions (2):

Ambry Genetics
Classification: Uncertain significance for Hereditary cancer-predisposing syndrome. Last evaluated: 2026-09-09. Review status: criteria provided, single submitter. Criteria: Ambry Variant Classification Scheme 2023. Collection method: clinical testing. Allele origin: germline.
Comment: The p.D231G variant (also known as c.692A>G), located in coding exon 1 of the MET gene, results from an A to G substitution at nucleotide position 692. The aspartic acid at codon 231 is replaced by glycine, an amino acid with similar properties. This amino acid position is conserved. In addition, this alteration is predicted to be tolerated by in silico analysis. Based on the available evidence, the clinical significance of this variant remains unclear.

Labcorp Genetics (formerly Invitae), Labcorp
Classification: Uncertain significance for Renal cell carcinoma. Last evaluated: 2024-11-24. Review status: criteria provided, single submitter. Criteria: Invitae Variant Classification Sherloc (09022015). Collection method: clinical testing. Allele origin: germline.
Comment: This sequence change replaces aspartic acid, which is acidic and polar, with glycine, which is neutral and non-polar, at codon 231 of the MET protein (p.Asp231Gly). This variant is not present in population databases (gnomAD no frequency). This variant has not been reported in the literature in individuals affected with MET-related conditions. An algorithm developed to predict the effect of missense changes on protein structure and function (PolyPhen-2) suggests that this variant is likely to be disruptive. In summary, the available evidence is currently insufficient to determine the role of this variant in disease. Therefore, it has been classified as a Variant of Uncertain Significance.